The following is an entry in ClinVar:

NM_024422.6(DSC2):c.355-9T>C

Gene: DSC2 (desmocollin 2; minus strand). Cytogenetic location: 18q12.1.
Variant type: single nucleotide variant.
Coding change: c.355-9T>C on transcript NM_024422.6 (MANE Select); 9 bases into the intron before coding-DNA position 355, T replaced by C.
Molecular consequence: intron variant.
Genome position (GRCh38, 1-based): chr18:31,091,156, A>G on the plus strand (T>C on the coding strand, the complement: DSC2 is on the minus strand). VCF-style: chr18-31091156-A-G. GRCh37 (hg19) VCF-style: chr18-28671119-A-G.
Other names: c.355-9T>C (NM_004949.5).
Identifiers: ClinVar variation 927705 (VCV000927705.10), dbSNP rs925436741, ClinGen allele CA297643531.

ClinVar aggregate classification (germline): Likely benign. Review status: criteria provided, multiple submitters, no conflicts (2 of 4 stars). 3 submissions from 3 submitters: Likely benign (3). Last evaluated 2025-09-02.

Conditions:
Cardiomyopathy (CMYO). Also called: Cardiomyopathies. Identifiers: Orphanet 167848, MedGen C0878544, MONDO:0004994, HP:0001638. Inheritance: Various modes of inheritance.
Familial isolated arrhythmogenic right ventricular dysplasia. Identifiers: Orphanet 217656, MedGen C4274968, MONDO:0016342.
Arrhythmogenic right ventricular dysplasia 11. Also called: Arrhythmogenic Right Ventricular Dysplasia/Cardiomyopathy11; ARRHYTHMOGENIC RIGHT VENTRICULAR DYSPLASIA, FAMILIAL, 11; Arrhythmogenic right ventricular dysplasia 11 with mild palmoplantar keratoderma and woolly hair. Identifiers: MedGen C1864850, MONDO:0012506, OMIM 610476.

Allele frequency attached by ClinVar (database versions not stated): gnomAD exomes below 0.00001 and 0.00001.
gnomAD v4.1: 5 of 1,613,726 alleles (0.00031%); highest among the groups gnomAD compares: Non-Finnish European, 0.00042%; no homozygotes.

Submissions (3):

Labcorp Genetics (formerly Invitae), Labcorp
Classification: Likely benign for Arrhythmogenic right ventricular dysplasia 11. Last evaluated: 2025-09-02. Review status: criteria provided, single submitter. Criteria: Invitae Variant Classification Sherloc (09022015). Collection method: clinical testing. Allele origin: germline.

All of Us Research Program, National Institutes of Health
Classification: Likely benign for Familial isolated arrhythmogenic right ventricular dysplasia. Last evaluated: 2023-08-28. Review status: criteria provided, single submitter. Criteria: ACMG Guidelines, 2015. Collection method: clinical testing. Allele origin: germline. Inheritance: Autosomal dominant inheritance. Observed: 4 variant alleles, 4 heterozygotes.
Comment: This study involves interpretation of variants in research participants for the purpose of population health screening. Participant phenotype was not available at the time of variant classification. Additional details can be found in publication PMID: 35346344, PMCID: PMC8962531

Color Diagnostics, LLC DBA Color Health
Classification: Likely benign for Cardiomyopathy. Last evaluated: 2020-04-07. Review status: criteria provided, single submitter. Criteria: ACMG Guidelines, 2015. Collection method: clinical testing. Allele origin: germline.